The following is an entry in ClinVar:

ClinVar aggregate classification (germline): Uncertain significance (1 of 4 stars; one submission).

Conditions:
Osteogenesis imperfecta type I (OI1). Also called: Lobstein disease; Classic Non-deforming Osteogenesis Imperfecta with Blue Sclerae; Lobstein's Disease; OI, TYPE I; OSTEOGENESIS IMPERFECTA TARDA; OSTEOGENESIS IMPERFECTA WITH BLUE SCLERAE. Identifiers: Orphanet 216796, Orphanet 666, MedGen C0023931, MONDO:0008146, OMIM 166200. Disease mechanism: loss of function.

Allele frequency attached by ClinVar (database versions not stated): gnomAD exomes below 0.00001.

Submission:

Labcorp Genetics (formerly Invitae), Labcorp
Classification: Uncertain significance for Osteogenesis imperfecta type I. Last evaluated: 2018-12-24. Review status: criteria provided, single submitter. Criteria: Invitae Variant Classification Sherloc (09022015). Collection method: clinical testing. Allele origin: germline.
Comment: This sequence change replaces proline with serine at codon 334 of the COL1A1 protein (p.Pro334Ser). The proline residue is highly conserved and there is a moderate physicochemical difference between proline and serine. This variant is not present in population databases (ExAC no frequency). In summary, the available evidence is currently insufficient to determine the role of this variant in disease. Therefore, it has been classified as a Variant of Uncertain Significance. Algorithms developed to predict the effect of missense changes on protein structure and function are either unavailable or do not agree on the potential impact of this missense change (SIFT: "Tolerated"; PolyPhen-2: "Not Available"; Align-GVGD: "Class C0"). This variant has not been reported in the literature in individuals with COL1A1-related conditions.

NM_000088.4(COL1A1):c.1000C>T (p.Pro334Ser)

Gene: COL1A1 (collagen type I alpha 1 chain; minus strand). Cytogenetic location: 17q21.33.
Variant type: single nucleotide variant.
Coding change: c.1000C>T on transcript NM_000088.4 (MANE Select); coding-DNA position 1000, C replaced by T.
Protein change: p.Pro334Ser; replaces proline 334 with serine.
Molecular consequence: missense variant.
Genome position (GRCh38, 1-based): chr17:50,196,157, G>A on the plus strand (C>T on the coding strand, the complement: COL1A1 is on the minus strand). VCF-style: chr17-50196157-G-A. GRCh37 (hg19) VCF-style: chr17-48273518-G-A.
Other names: short protein forms P334S.
Identifiers: ClinVar variation 648171 (VCV000648171.9), dbSNP rs1156650562, ClinGen allele CA400221214.
Genomic context (GRCh38, chr17:50,196,157, plus strand): 5'-AGCAGATACTGAGACCCCTCCCCACTCCCAGGCCCTGAGGCCTACAGGCCACACTCACAG[G>A]GGGCCCGGCAGCACCAGTAGCACCATCATTTCCACGAGCACCCTGCAGGAGAGAGGGGAA-3'
Protein context (NP_000079.2, residues 324-344): NDGATGAAGP[Pro334Ser]GPTGPAGPPG